The following is an entry in ClinVar:

ClinVar aggregate classification (germline): Uncertain significance (1 of 4 stars; one submission).

Submission:

Medical Genetic Center, Changzhi Maternal and Child Health Care Hospital
Classification: Uncertain significance. Last evaluated: 2025-12-10. Review status: criteria provided, single submitter. Criteria: ACMG/ClinGen CNV Guidelines, 2019. Collection method: clinical testing. Allele origin: unknown.

GRCh38/hg38 16q23.3-24.1(chr16:83465768-84326415)x3

Genes: ADAD2 (adenosine deaminase domain containing 2; plus strand), ADAD2-AS1 (ADAD2 antisense RNA 1; minus strand), CDH13 (cadherin 13; plus strand), CDH13-AS2 (CDH13 antisense RNA 2; minus strand), CEDORA (CDH13 antisense oligodendrocyte and neuron associated lncRNA; minus strand) and 38 more. Cytogenetic location: 16q23.3-24.1.
Variant type: copy number gain.
Change: copy number 3 (three copies instead of two) of chr16:83,465,768-84,326,415 (860.6 kb, GRCh38 coordinates, 1-based), cytogenetic band 16q23.3-24.1.
Identifiers: ClinVar variation 4796419 (VCV004796419.1).